The following is an entry in ClinVar:

NM_001080421.3(UNC13A):c.4457A>C (p.Glu1486Ala)

Gene: UNC13A (unc-13 homolog A; minus strand). Cytogenetic location: 19p13.11.
Variant type: single nucleotide variant.
Coding change: c.4457A>C on transcript NM_001080421.3 (MANE Select); coding-DNA position 4457, A replaced by C.
Protein change: p.Glu1486Ala; replaces glutamic acid 1486 with alanine.
Molecular consequence: missense variant.
Genome position (GRCh38, 1-based): chr19:17,617,803, T>G on the plus strand (A>C on the coding strand, the complement: UNC13A is on the minus strand). VCF-style: chr19-17617803-T-G. GRCh37 (hg19) VCF-style: chr19-17728612-T-G.
Other names: c.4445A>C, p.Glu1482Ala (NM_001387021.1); c.4442A>C, p.Glu1481Ala (NM_001387022.1); c.4376A>C, p.Glu1459Ala (NM_001387023.1); short protein forms E1459A, E1481A, E1482A, E1486A.
Identifiers: ClinVar variation 3344877 (VCV003344877.1).
Genomic context (GRCh38, chr19:17,617,803, plus strand): 5'-TCGGTGGCCTGCGTGTAGAGCGACAGGGCATAGCGCAAGGATTGCAGGTCCGGGCTCTTC[T>G]CCAGGAAGGTCTTCTTGAGGCCCACGCCACCCGCGTGGAAATATTGCTGGGGAGGACAGG-3'
Protein context (NP_001073890.2, residues 1476-1496): GGVGLKKTFL[Glu1486Ala]KSPDLQSLRY

ClinVar aggregate classification (germline): Uncertain significance (0 of 4 stars; one submission).

Conditions:
UNC13A-related disorder. Also called: UNC13A-related condition.

Submission:

PreventionGenetics, part of Exact Sciences
Classification: Uncertain significance for UNC13A-related condition. Last evaluated: 2024-06-12. Review status: no assertion criteria provided. Collection method: clinical testing. Allele origin: germline.
Comment: The UNC13A c.4457A>C variant is predicted to result in the amino acid substitution p.Glu1486Ala. To our knowledge, this variant has not been reported in the literature or in a large population database, indicating this variant is rare. At this time, the clinical significance of this variant is uncertain due to the absence of conclusive functional and genetic evidence.